The following is an entry in ClinVar:

NM_001283009.2(RTEL1):c.3188A>G (p.Tyr1063Cys)

Genes: RTEL1 (regulator of telomere elongation helicase 1; plus strand), RTEL1-TNFRSF6B (RTEL1-TNFRSF6B readthrough (NMD candidate); plus strand). Cytogenetic location: 20q13.33.
Variant type: single nucleotide variant.
Coding change: c.3188A>G on transcript NM_001283009.2 (MANE Select); coding-DNA position 3188, A replaced by G.
Protein change: p.Tyr1063Cys; replaces tyrosine 1063 with cysteine.
Molecular consequence: missense variant. On other transcripts: non-coding transcript variant (1).
Genome position (GRCh38, 1-based): chr20:63,694,819, A>G. VCF-style: chr20-63694819-A-G. GRCh37 (hg19) VCF-style: chr20-62326172-A-G.
Other names: c.2519A>G, p.Tyr840Cys (NM_001283010.1); c.3188A>G, p.Tyr1063Cys (NM_016434.4); c.3260A>G, p.Tyr1087Cys (NM_032957.5); short protein forms Y1087C, Y840C, Y1063C.
Identifiers: ClinVar variation 3948396 (VCV003948396.1).
Genomic context (GRCh38, chr20:63,694,819, plus strand): 5'-CACAGTGGGGGTCTGGAGTGCCCAGAGCAGGGAAGCAGGGCCAGCACGCCGTGAGCGCCT[A>G]CCTGGCTGATGCCCGCAGGGCCCTGGGGTCCGCGGGCTGTAGCCAACTCTTGGCAGCGCT-3'
Protein context (NP_001269938.1, residues 1053-1073): GKQGQHAVSA[Tyr1063Cys]LADARRALGS

ClinVar aggregate classification (germline): Uncertain significance (1 of 4 stars; one submission).

Conditions:
Inborn genetic diseases. Identifiers: MedGen C0950123, MeSH D030342.

gnomAD v4.1: 2 of 1,612,498 alleles (0.00012%); highest among the groups gnomAD compares: Non-Finnish European, 0.00017%; no homozygotes.

Submission:

Ambry Genetics
Classification: Uncertain significance for Inborn genetic diseases. Last evaluated: 2025-05-15. Review status: criteria provided, single submitter. Criteria: Ambry Variant Classification Scheme 2023. Collection method: clinical testing. Allele origin: germline.
Comment: The p.Y1063C variant (also known as c.3188A>G), located in coding exon 31 of the RTEL1 gene, results from an A to G substitution at nucleotide position 3188. The tyrosine at codon 1063 is replaced by cysteine, an amino acid with highly dissimilar properties. This amino acid position is conserved. In addition, the in silico prediction for this alteration is inconclusive. Based on the available evidence, the clinical significance of this variant remains unclear.